The following is an entry in ClinVar:

ClinVar aggregate classification (germline): Uncertain significance (1 of 4 stars; one submission).

Conditions:
Arrhythmogenic cardiomyopathy with wooly hair and keratoderma. Also called: PALMOPLANTAR KERATODERMA WITH LEFT VENTRICULAR CARDIOMYOPATHY AND WOOLLY HAIR; Carvajal syndrome; Dilated cardiomyopathy with woolly hair and keratoderma; Arrhythmogenic cardiomyopathy with woolly hair and keratoderma. Identifiers: Orphanet 65282, MedGen C1854063, MONDO:0011581, OMIM 605676.

Submission:

All of Us Research Program, National Institutes of Health
Classification: Uncertain significance for Arrhythmogenic cardiomyopathy with wooly hair and keratoderma. Last evaluated: 2023-08-28. Review status: criteria provided, single submitter. Criteria: ACMG Guidelines, 2015. Collection method: clinical testing. Allele origin: germline. Inheritance: Autosomal dominant inheritance. Observed: 1 variant allele, 1 heterozygote.
Comment: This missense variant replaces alanine with proline at codon 2005 of the DSP protein. Computational prediction suggests that this variant may not impact protein structure and function (internally defined REVEL score threshold <= 0.5, PMID: 27666373). To our knowledge, functional studies have not been reported for this variant. This variant has not been reported in individuals affected with DSP-related disorders in the literature. This variant has not been identified in the general population by the Genome Aggregation Database (gnomAD). The available evidence is insufficient to determine the role of this variant in disease conclusively. Therefore, this variant is classified as a Variant of Uncertain Significance.

This study involves interpretation of variants in research participants for the purpose of population health screening. Participant phenotype was not available at the time of variant classification. Additional details can be found in publication PMID: 35346344, PMCID: PMC8962531

NM_004415.4(DSP):c.6013G>C (p.Ala2005Pro)

Gene: DSP (desmoplakin; plus strand). Cytogenetic location: 6p24.3.
Variant type: single nucleotide variant.
Coding change: c.6013G>C on transcript NM_004415.4 (MANE Select); coding-DNA position 6013, G replaced by C.
Protein change: p.Ala2005Pro; replaces alanine 2005 with proline.
Molecular consequence: missense variant.
Genome position (GRCh38, 1-based): chr6:7,583,275, G>C. VCF-style: chr6-7583275-G-C. GRCh37 (hg19) VCF-style: chr6-7583508-G-C.
Other names: c.4216G>C, p.Ala1406Pro (NM_001008844.3); c.4684G>C, p.Ala1562Pro (NM_001319034.2); short protein forms A1406P, A1562P, A2005P.
Identifiers: ClinVar variation 3073259 (VCV003073259.1), dbSNP rs1561701806, ClinGen allele CA362689906.